The following is an entry in ClinVar:

NM_181672.3(OGT):c.1879C>T (p.Arg627Cys)

Gene: OGT (O-linked N-acetylglucosamine (GlcNAc) transferase; plus strand). Cytogenetic location: Xq13.1.
Variant type: single nucleotide variant.
Coding change: c.1879C>T on transcript NM_181672.3 (MANE Select); coding-DNA position 1879, C replaced by T.
Protein change: p.Arg627Cys; replaces arginine 627 with cysteine.
Molecular consequence: missense variant.
Genome position (GRCh38, 1-based): chrX:71,561,802, C>T. VCF-style: chrX-71561802-C-T. GRCh37 (hg19) VCF-style: chrX-70781652-C-T.
Other names: c.1849C>T, p.Arg617Cys (NM_181673.3); short protein forms R627C, R617C.
Identifiers: ClinVar variation 930082 (VCV000930082.9), dbSNP rs766646613, ClinGen allele CA10447714.

ClinVar aggregate classification (germline): Uncertain significance. Review status: criteria provided, multiple submitters, no conflicts (2 of 4 stars). 2 submissions from 2 submitters: Uncertain significance (2). Last evaluated 2022-09-09.

Conditions:
Intellectual developmental disorder, X-linked 106. Also called: Intellectual disability, X-linked 106; Mental retardation, X-linked 106. Identifiers: MedGen C4478379, MONDO:0030907, OMIM 300997.

Allele frequency attached by ClinVar (database versions not stated): gnomAD exomes 0.00002; ExAC 0.00001; TOPMed 0.00002.
gnomAD v4.1: 6 of 1,199,666 alleles (0.0005%); highest among the groups gnomAD compares: Admixed American, 0.0088%; no homozygotes.

Submissions (2):

Revvity Omics, Revvity
Classification: Uncertain significance for Intellectual developmental disorder, X-linked 106. Last evaluated: 2022-09-09. Review status: criteria provided, single submitter. Criteria: ACMG Guidelines, 2015. Collection method: clinical testing. Allele origin: germline.

Laboratory for Molecular Medicine, Mass General Brigham Personalized Medicine
Classification: Uncertain significance. Last evaluated: 2020-02-11. Review status: criteria provided, single submitter. Criteria: LMM Criteria. Collection method: clinical testing. Allele origin: germline. Observed: 2 variant alleles.
Comment: The p.Arg627Cys variant in OGT has not been previously reported in individuals with X-linked neurodevelopmental disorder, but was identified in 0.012% (3/25463) of Latino chromosomes in gnomAD, including one hemizygous male individual and two heterozygous female individuals. Computational prediction tools and conservation analyses suggest that this variant may impact the protein, although this information is not predictive enough to determine pathogenicity. Additionally, the number of missense variants reported in OGT in the general population is lower than expected, suggesting that a missense variant in this gene may not be tolerated. In summary, the clinical significance of this variant is uncertain. ACMG/AMP Criteria applied: PM2_Supporting, PP2, PP3.

Literature cited by the submitters: PubMed 31627256 (cited by Laboratory for Molecular Medicine, Mass General Brigham Personalized Medicine); PubMed 28584052 (cited by Laboratory for Molecular Medicine, Mass General Brigham Personalized Medicine); PubMed 28302723 (cited by Laboratory for Molecular Medicine, Mass General Brigham Personalized Medicine).